The following is an entry in ClinVar:

NM_001040142.2(SCN2A):c.2767T>C (p.Trp923Arg)

Gene: SCN2A (sodium voltage-gated channel alpha subunit 2; plus strand). Cytogenetic location: 2q24.3.
Variant type: single nucleotide variant.
Coding change: c.2767T>C on transcript NM_001040142.2 (MANE Select); coding-DNA position 2767, T replaced by C.
Protein change: p.Trp923Arg; replaces tryptophan 923 with arginine.
Molecular consequence: missense variant.
Genome position (GRCh38, 1-based): chr2:165,344,759, T>C. VCF-style: chr2-165344759-T-C. GRCh37 (hg19) VCF-style: chr2-166201269-T-C.
Other names: c.2767T>C, p.Trp923Arg (NM_001040143.2, NM_001371246.1, NM_001371247.1 and 1 more transcripts); short protein forms W923R.
Identifiers: ClinVar variation 392633 (VCV000392633.4), dbSNP rs1057524573, ClinGen allele CA16603904.

ClinVar aggregate classification (germline): Likely pathogenic (1 of 4 stars; one submission).

Conditions:
Benign familial neonatal-infantile seizures 1. Also called: Seizures, benign familial infantile, 1. Identifiers: Orphanet 306, MedGen C4551769, MONDO:0042499, OMIM 601764.
Developmental and epileptic encephalopathy, 11 (DEE11). Also called: Early infantile epileptic encephalopathy 11. Identifiers: Orphanet 1934, MedGen C3150987, MONDO:0013388, OMIM 613721.
Intellectual disability. Also called: Intellectual functioning disability; intellectual disabilities; Intellectual developmental disorder. Identifiers: MedGen C3714756, MeSH D008607, MONDO:0001071, HP:0001249.

Submission:

GeneDx
Classification: Likely pathogenic. Last evaluated: 2017-02-02. Review status: criteria provided, single submitter. Criteria: GeneDx Variant Classification (06012015). Collection method: clinical testing. Allele origin: germline. Affected: yes.
Comment: The W923R variant in the SCN2A gene has not been reported previously as a pathogenic variant, nor as a benign variant, to our knowledge. The W923R variant was not observed in approximately 6,500 individuals of European and African American ancestry in the NHLBI Exome Sequencing Project, indicating it is not a common benign variant in these populations. The W923R variant is a non-conservative amino acid substitution, which is likely to impact secondary protein structure as these residues differ in polarity, charge, size and/or other properties. This substitution occurs at a position that is conserved across species and is predicted to be within the pore forming loop between the S5 and S6 transmembrane segments of the second homologous domain. In silico analysis predicts this variant is probably damaging to the protein structure/function. Therefore, we interpret W923R as a likely pathogenic variant.